The following is an entry in ClinVar:

NM_001242896.3(DEPDC5):c.3206A>G (p.Gln1069Arg)

Gene: DEPDC5 (DEP domain containing 5, GATOR1 subcomplex subunit; plus strand). Cytogenetic location: 22q12.3.
Variant type: single nucleotide variant.
Coding change: c.3206A>G on transcript NM_001242896.3 (MANE Select); coding-DNA position 3206, A replaced by G.
Protein change: p.Gln1069Arg; replaces glutamine 1069 with arginine.
Molecular consequence: missense variant. On other transcripts: non-coding transcript variant (5).
Genome position (GRCh38, 1-based): chr22:31,857,495, A>G. VCF-style: chr22-31857495-A-G. GRCh37 (hg19) VCF-style: chr22-32253481-A-G.
Other names: c.3179A>G, p.Gln1060Arg (NM_001136029.4, NM_001369903.1, NM_014662.6); c.2972A>G, p.Gln991Arg (NM_001242897.2, NM_001363854.2, NM_001364319.2); c.3206A>G, p.Gln1069Arg (NM_001363852.2, NM_001364318.2, NM_001364320.2); c.3122A>G, p.Gln1041Arg (NM_001369901.1, NM_001369902.1); short protein forms Q1041R, Q1060R, Q1069R, Q991R.
Identifiers: ClinVar variation 2416518 (VCV002416518.6), dbSNP rs761678944, ClinGen allele CA10196903.

ClinVar aggregate classification (germline): Uncertain significance (1 of 4 stars; one submission).

Conditions:
Familial focal epilepsy with variable foci (FPEVF). Identifiers: Orphanet 98820, MedGen C1858477, MONDO:0020310.

gnomAD v4.1: 11 of 1,612,580 alleles (0.00068%); highest among the groups gnomAD compares: South Asian, 0.012%; no homozygotes.

Submission:

Labcorp Genetics (formerly Invitae), Labcorp
Classification: Uncertain significance for Familial focal epilepsy with variable foci. Last evaluated: 2024-11-05. Review status: criteria provided, single submitter. Criteria: Invitae Variant Classification Sherloc (09022015). Collection method: clinical testing. Allele origin: germline.
Comment: This sequence change replaces glutamine, which is neutral and polar, with arginine, which is basic and polar, at codon 1069 of the DEPDC5 protein (p.Gln1069Arg). This variant is present in population databases (rs761678944, gnomAD 0.02%). This variant has not been reported in the literature in individuals affected with DEPDC5-related conditions. ClinVar contains an entry for this variant (Variation ID: 2416518). Experimental studies and prediction algorithms are not available or were not evaluated, and the functional significance of this variant is currently unknown. In summary, the available evidence is currently insufficient to determine the role of this variant in disease. Therefore, it has been classified as a Variant of Uncertain Significance.